The following is an entry in ClinVar:

NM_017654.4(SAMD9):c.2507T>C (p.Met836Thr)

Gene: SAMD9 (sterile alpha motif domain containing 9; minus strand). Cytogenetic location: 7q21.2.
Variant type: single nucleotide variant.
Coding change: c.2507T>C on transcript NM_017654.4 (MANE Select); coding-DNA position 2507, T replaced by C.
Protein change: p.Met836Thr; replaces methionine 836 with threonine.
Molecular consequence: missense variant.
Genome position (GRCh38, 1-based): chr7:93,103,591, A>G on the plus strand (T>C on the coding strand, the complement: SAMD9 is on the minus strand). VCF-style: chr7-93103591-A-G. GRCh37 (hg19) VCF-style: chr7-92732904-A-G.
Other names: c.2507T>C, p.Met836Thr (NM_001193307.2); short protein forms M836T.
Identifiers: ClinVar variation 4863773 (VCV004863773.1).

ClinVar aggregate classification (germline): Uncertain significance (1 of 4 stars; one submission).

Conditions:
Inborn genetic diseases. Identifiers: MedGen C0950123, MeSH D030342.

Submission:

Ambry Genetics
Classification: Uncertain significance for Inborn genetic diseases. Last evaluated: 2026-03-26. Review status: criteria provided, single submitter. Criteria: Ambry Variant Classification Scheme 2023. Collection method: clinical testing. Allele origin: germline.
Comment: The p.M836T variant (also known as c.2507T>C), located in coding exon 1 of the SAMD9 gene, results from a T to C substitution at nucleotide position 2507. The methionine at codon 836 is replaced by threonine, an amino acid with similar properties. This amino acid position is conserved. In addition, this alteration is predicted to be tolerated by in silico analysis. Based on the available evidence, the clinical significance of this variant remains unclear.